The following is an entry in ClinVar:

ClinVar aggregate classification (germline): Likely pathogenic (1 of 4 stars; one submission).

Conditions:
Familial thoracic aortic aneurysm and aortic dissection (TAAD). Also called: Thoracic aortic aneurysms and dissections. Identifiers: Orphanet 91387, MedGen C4707243, MONDO:0019625.

Submission:

Labcorp Genetics (formerly Invitae), Labcorp
Classification: Likely pathogenic for Familial thoracic aortic aneurysm and aortic dissection. Last evaluated: 2024-04-16. Review status: criteria provided, single submitter. Criteria: Invitae Variant Classification Sherloc (09022015). Collection method: clinical testing. Allele origin: germline.
Comment: This variant results in the deletion of part of exon 3 (c.401-6_410del) of the SMAD3 gene. It is expected to disrupt RNA splicing. Variants that disrupt the donor or acceptor splice site typically lead to a loss of protein function (PMID: 16199547), and loss-of-function variants in SMAD3 are known to be pathogenic (PMID: 21778426, 24804794). This variant is not present in population databases (gnomAD no frequency). This variant has not been reported in the literature in individuals affected with SMAD3-related conditions. This variant disrupts a region of the SMAD3 protein in which other variant(s) (p.Val134Ala) have been observed in individuals with SMAD3-related conditions (PMID: 29907982). This suggests that this is a clinically significant region of the protein, and that variants that disrupt it are likely to be disease-causing. In summary, the currently available evidence indicates that the variant is pathogenic, but additional data are needed to prove that conclusively. Therefore, this variant has been classified as Likely Pathogenic.

Literature cited by the submitters: PubMed 16199547; PubMed 21778426; PubMed 24804794; PubMed 29907982.

NM_005902.4(SMAD3):c.401-6_410del

Gene: SMAD3 (SMAD family member 3; plus strand). Cytogenetic location: 15q22.33.
Variant type: Deletion.
Coding change: c.401-6_410del on transcript NM_005902.4 (MANE Select); 6 bases into the intron before coding-DNA position 401 through coding-DNA position 410, 16 bases deleted (GGACAGTTCTACCTCC).
Molecular consequence: splice acceptor variant. On other transcripts: intron variant (2).
Genome position (GRCh38, 1-based): chr15:67,165,247-67,165,262, GGACAGTTCTACCTCC deleted; deleting any 16 consecutive bases within chr15:67,165,245-67,165,262 gives the same sequence; the c. name uses the placement nearest the transcript's 3' end. VCF-style (leftmost placement, unchanged base first): chr15-67165244-CCCGGACAGTTCTACCT-C. GRCh37 (hg19) VCF-style: chr15-67457582-CCCGGACAGTTCTACCT-C.
Other names: c.401-6_410del (NM_001407011.1, NM_001407013.1); c.400+159_400+174del (NM_001407012.1); c.254-6_263del (NM_001407014.1); c.86-6_95del (NM_001145102.2, NM_001407016.1); c.85+159_85+174del (NM_001407015.1); c.269-6_278del (NM_001145103.2).
Identifiers: ClinVar variation 3650076 (VCV003650076.2).